The following is an entry in ClinVar:

NM_007294.4(BRCA1):c.4837_4838delinsGA (p.Ser1613Asp)

Gene: BRCA1 (BRCA1 DNA repair associated; minus strand). Cytogenetic location: 17q21.31.
Variant type: Indel.
Coding change: c.4837_4838delinsGA on transcript NM_007294.4 (MANE Select); coding-DNA positions 4837 to 4838, AG replaced by GA.
Protein change: p.Ser1613Asp; replaces serine 1613 with aspartic acid.
Molecular consequence: missense variant. On other transcripts: non-coding transcript variant (1).
Genome position (GRCh38, 1-based): chr17:43,071,076-43,071,077, CT replaced by TC on the plus strand (AG replaced by GA on the coding strand, the reverse complement: BRCA1 is on the minus strand). VCF-style: chr17-43071076-CT-TC. GRCh37 (hg19) VCF-style: chr17-41223093-CT-TC.
Other names: c.1522_1523delAGinsGA, p.Ser508Asp (NM_001408392.1, NM_001408396.1, NM_001408397.1 and 8 more transcripts); c.4831_4832delAGinsGA, p.Ser1611Asp (NM_001407861.1, NM_001407627.1, NM_001407628.1 and 14 more transcripts); c.4636_4637delAGinsGA, p.Ser1546Asp (NM_001407862.1); c.4627_4628delAGinsGA, p.Ser1543Asp (NM_001407886.1, NM_001407879.1, NM_001407881.1 and 5 more transcripts); c.4711_4712delAGinsGA, p.Ser1571Asp (NM_001407863.1, NM_001407670.1, NM_001407671.1 and 11 more transcripts); c.4630_4631delAGinsGA, p.Ser1544Asp (NM_001407874.1, NM_001407875.1); c.4624_4625delAGinsGA, p.Ser1542Asp (NM_001407571.1, NM_001407894.1, NM_001407895.1 and 12 more transcripts); c.4903_4904delAGinsGA, p.Ser1635Asp (NM_001407581.1, NM_001407582.1); and 73 more; short protein forms S1566D, S1634D, S1613D, S509D, S1317D, S1485D, S1500D, S1502D.
Identifiers: ClinVar variation 919925 (VCV000919925.12), dbSNP rs2052398037, ClinGen allele CA913188824.

ClinVar aggregate classification (germline): Uncertain significance. Review status: criteria provided, multiple submitters, no conflicts (2 of 4 stars). 4 submissions from 4 submitters: Uncertain significance (4). Last evaluated 2025-05-29.

Conditions:
Hereditary breast ovarian cancer syndrome. Also called: BRCA1- and BRCA2-Associated Hereditary Breast and Ovarian Cancer; Hereditary breast and ovarian cancer syndrome; Hereditary breast and ovarian cancer; Hereditary breast and ovarian cancer syndrome (HBOC); Breast and ovarian cancer; Hereditary breast and/or ovarian cancer syndrome. Identifiers: Orphanet 145, MedGen C0677776, MeSH D061325, MONDO:0003582. Disease mechanism: loss of function.
Hereditary cancer-predisposing syndrome. Also called: Neoplastic Syndromes, Hereditary; Tumor predisposition; Hereditary Cancer Syndrome; Hereditary neoplastic syndrome. Identifiers: Orphanet 140162, MedGen C0027672, MeSH D009386, MONDO:0015356.

Submissions (4):

Ambry Genetics
Classification: Uncertain significance for Hereditary cancer-predisposing syndrome. Last evaluated: 2025-05-29. Review status: criteria provided, single submitter. Criteria: Ambry Variant Classification Scheme 2023. Collection method: clinical testing. Allele origin: germline.
Comment: The c.4837_4838delAGinsGA variant (also known as p.S1613D), located in coding exon 14 of the BRCA1 gene, results from an in-frame deletion of AG and insertion of GA at nucleotide positions 4837 to 4838. This results in the substitution of the serine residue for an aspartic acid residue at codon 1613, an amino acid with similar properties. This amino acid position is not well conserved in available vertebrate species. In addition, this alteration is predicted to be neutral by in silico analysis (Choi Y et al. PLoS ONE. 2012; 7(10):e46688). Since supporting evidence is limited at this time, the clinical significance of this alteration remains unclear.

Labcorp Genetics (formerly Invitae), Labcorp
Classification: Uncertain significance for Hereditary breast ovarian cancer syndrome. Last evaluated: 2024-06-21. Review status: criteria provided, single submitter. Criteria: Invitae Variant Classification Sherloc (09022015). Collection method: clinical testing. Allele origin: germline.
Comment: This sequence change replaces serine, which is neutral and polar, with aspartic acid, which is acidic and polar, at codon 1613 of the BRCA1 protein (p.Ser1613Asp). Information on the frequency of this variant in the gnomAD database is not available, as this variant may be reported differently in the database. This variant has not been reported in the literature in individuals affected with BRCA1-related conditions. ClinVar contains an entry for this variant (Variation ID: 919925). An algorithm developed to predict the effect of missense changes on protein structure and function (PolyPhen-2) suggests that this variant is likely to be tolerated. In summary, the available evidence is currently insufficient to determine the role of this variant in disease. Therefore, it has been classified as a Variant of Uncertain Significance.

Revvity Omics, Revvity
Classification: Uncertain significance. Last evaluated: 2022-04-12. Review status: criteria provided, single submitter. Criteria: ACMG Guidelines, 2015. Collection method: clinical testing. Allele origin: germline.

Color Diagnostics, LLC DBA Color Health
Classification: Uncertain significance for Hereditary cancer-predisposing syndrome. Last evaluated: 2019-04-23. Review status: criteria provided, single submitter. Criteria: ACMG Guidelines, 2015. Collection method: clinical testing. Allele origin: germline.